The following is an entry in ClinVar:

ClinVar aggregate classification (germline): Pathogenic/Likely pathogenic. Review status: criteria provided, multiple submitters, no conflicts (2 of 4 stars). 2 submissions from 2 submitters: Pathogenic (1); Likely pathogenic (1). Last evaluated 2025-06-22.

Conditions:
CYLD-related disorder. Also called: CYLD-related condition.

Submissions (2):

Labcorp Genetics (formerly Invitae), Labcorp
Classification: Pathogenic. Last evaluated: 2025-06-22. Review status: criteria provided, single submitter. Criteria: Invitae Variant Classification Sherloc (09022015). Collection method: clinical testing. Allele origin: germline.
Comment: This sequence change creates a premature translational stop signal (p.Arg235*) in the CYLD gene. It is expected to result in an absent or disrupted protein product. Loss-of-function variants in CYLD are known to be pathogenic (PMID: 19462465). This variant is not present in population databases (gnomAD no frequency). This variant has not been reported in the literature in individuals affected with CYLD-related conditions. For these reasons, this variant has been classified as Pathogenic.

Blueprint Genetics
Classification: Likely pathogenic for CYLD-related disorders. Last evaluated: 2022-12-20. Review status: criteria provided, single submitter. Criteria: ACMG Guidelines, 2015. Collection method: clinical testing. Allele origin: germline. Affected: yes. Observed: 3 variant alleles.

Literature cited by the submitters: PubMed 19462465 (cited by Labcorp Genetics (formerly Invitae), Labcorp).

NM_001378743.1(CYLD):c.703A>T (p.Arg235Ter)

Gene: CYLD (CYLD lysine 63 deubiquitinase; plus strand). Cytogenetic location: 16q12.1.
Variant type: single nucleotide variant.
Coding change: c.703A>T on transcript NM_001378743.1 (MANE Select); coding-DNA position 703, A replaced by T.
Protein change: p.Arg235Ter; replaces arginine 235 with a stop codon.
Molecular consequence: nonsense. On other transcripts: non-coding transcript variant (1).
Genome position (GRCh38, 1-based): chr16:50,751,802, A>T. VCF-style: chr16-50751802-A-T. GRCh37 (hg19) VCF-style: chr16-50785713-A-T.
Other names: c.703A>T, p.Arg235Ter (NM_001042355.2, NM_001042412.3, NM_001378744.1 and 10 more transcripts); c.37A>T, p.Arg13Ter (NM_001378754.1, NM_001378755.1); short protein forms R13*, R235*.
Identifiers: ClinVar variation 4764306 (VCV004764306.2).